The following is an entry in ClinVar:

NM_014874.4(MFN2):c.1789G>T (p.Glu597Ter)

Gene: MFN2 (mitofusin 2; plus strand). Cytogenetic location: 1p36.22.
Variant type: single nucleotide variant.
Coding change: c.1789G>T on transcript NM_014874.4 (MANE Select); coding-DNA position 1789, G replaced by T.
Protein change: p.Glu597Ter; replaces glutamic acid 597 with a stop codon.
Molecular consequence: nonsense.
Genome position (GRCh38, 1-based): chr1:12,006,610, G>T. VCF-style: chr1-12006610-G-T. GRCh37 (hg19) VCF-style: chr1-12066667-G-T.
Other names: c.1789G>T, p.Glu597Ter (NM_001127660.2); short protein forms E597*.
Identifiers: ClinVar variation 1452732 (VCV001452732.8), dbSNP rs2100856157, ClinGen allele CA338448736.

ClinVar aggregate classification (germline): Pathogenic. Review status: criteria provided, multiple submitters, no conflicts (2 of 4 stars). 2 submissions from 2 submitters: Pathogenic (2). Last evaluated 2023-06-30.

Conditions:
Inborn genetic diseases. Identifiers: MedGen C0950123, MeSH D030342.
Charcot-Marie-Tooth disease type 2. Also called: Charcot-Marie-Tooth type 2. Identifiers: Orphanet 64746, MedGen C0270914, MONDO:0018993.

Submissions (2):

Labcorp Genetics (formerly Invitae), Labcorp
Classification: Pathogenic for Charcot-Marie-Tooth disease type 2. Last evaluated: 2023-06-30. Review status: criteria provided, single submitter. Criteria: Invitae Variant Classification Sherloc (09022015). Collection method: clinical testing. Allele origin: germline.
Comment: For these reasons, this variant has been classified as Pathogenic. ClinVar contains an entry for this variant (Variation ID: 1452732). This variant has not been reported in the literature in individuals affected with MFN2-related conditions. This variant is not present in population databases (gnomAD no frequency). This sequence change creates a premature translational stop signal (p.Glu597*) in the MFN2 gene. It is expected to result in an absent or disrupted protein product. Loss-of-function variants in MFN2 are known to be pathogenic (PMID: 16714318, 16835246, 21715711, 23781337, 26955893).

Ambry Genetics
Classification: Pathogenic for Inborn genetic diseases. Last evaluated: 2019-09-26. Review status: criteria provided, single submitter. Criteria: Ambry Variant Classification Scheme 2023. Collection method: clinical testing. Allele origin: germline.
Comment: The p.E597* variant (also known as c.1789G>T), located in coding exon 14 of the MFN2 gene, results from a G to T substitution at nucleotide position 1789. This changes the amino acid from a glutamic acid to a stop codon within coding exon 14. This alteration is expected to result in loss of function by premature protein truncation or nonsense-mediated mRNA decay. As such, this alteration is interpreted as a disease-causing mutation for autosomal recessive disease. However, loss of function via haploinsufficiency of MFN2 has not been clearly established as a mechanism of autosomal dominant disease. Therefore, the clinical significance of this alteration remains unclear for autosomal dominant disease and pathogenic for autosomal recessive disease.

Literature cited by the submitters: PubMed 16714318 (cited by Labcorp Genetics (formerly Invitae), Labcorp); PubMed 16835246 (cited by Labcorp Genetics (formerly Invitae), Labcorp); PubMed 21715711 (cited by Labcorp Genetics (formerly Invitae), Labcorp); PubMed 23781337 (cited by Labcorp Genetics (formerly Invitae), Labcorp); PubMed 26955893 (cited by Labcorp Genetics (formerly Invitae), Labcorp).